The following is an entry in ClinVar:

NM_001367607.2(ANKRD30B):c.2841T>C (p.Thr947=)

Gene: ANKRD30B (ankyrin repeat domain 30B; plus strand). Cytogenetic location: 18p11.21.
Variant type: single nucleotide variant.
Coding change: c.2841T>C on transcript NM_001367607.2 (MANE Select); coding-DNA position 2841, T replaced by C.
Protein change: p.Thr947=; no amino-acid change (threonine 947 retained).
Molecular consequence: synonymous variant.
Genome position (GRCh38, 1-based): chr18:14,831,449, T>C. VCF-style: chr18-14831449-T-C. GRCh37 (hg19) VCF-style: chr18-14831448-T-C.
Identifiers: ClinVar variation 2648609 (VCV002648609.24), dbSNP rs187017186, ClinGen allele CA8904930.
Genomic context (GRCh38, chr18:14,831,449, plus strand): 5'-TGGCAAACCGACTACTGAAAATTCACAGTCTACAAAAGTTGAGGAAGACTTTAATCTTAC[T>C]ACCAAGGTAAAATAGTCTCTTGTTAAATTGATTTTCTCAGTTGGAATCTAATTCTGTATA-3'
Protein context (NP_001354536.1, residues 937-957): STKVEEDFNL[Thr947=]TKEGATKTVT

ClinVar aggregate classification (germline): Likely benign (1 of 4 stars; one submission).

Allele frequency attached by ClinVar (database versions not stated): gnomAD 0.00419; TOPMed 0.00461; gnomAD exomes 0.00472; 1000 Genomes Project 0.00539; 1000 Genomes Project 30x 0.00562; ExAC 0.00763.
gnomAD v4.1: 7,258 of 1,521,874 alleles (0.48%); highest among the groups gnomAD compares: Middle Eastern, 2.1%; 41 homozygotes.

Submission:

CeGaT Center for Human Genetics Tuebingen
Classification: Likely benign. Last evaluated: 2023-07-01. Review status: criteria provided, single submitter. Criteria: CeGaT Center For Human Genetics Tuebingen Variant Classification Criteria Version 2. Collection method: clinical testing. Allele origin: germline. Affected: yes. Observed: 1 variant allele.
Comment: ANKRD30B: BP4, BP7, BS2